The following is an entry in ClinVar:

ClinVar aggregate classification (germline): Likely benign (1 of 4 stars; one submission).

Allele frequency attached by ClinVar (database versions not stated): gnomAD 0.00004; 1000 Genomes Project 0.00040; 1000 Genomes Project 30x 0.00047.
gnomAD v4.1: 83 of 1,596,918 alleles (0.0052%); highest among the groups gnomAD compares: South Asian, 0.073%; no homozygotes.

Submission:

CeGaT Center for Human Genetics Tuebingen
Classification: Likely benign. Last evaluated: 2023-01-01. Review status: criteria provided, single submitter. Criteria: CeGaT Center For Human Genetics Tuebingen Variant Classification Criteria Version 2. Collection method: clinical testing. Allele origin: germline. Affected: yes. Observed: 1 variant allele.
Comment: CRIPAK: BP4, BP7

NM_175918.3(CRIPAK):c.240C>G (p.Pro80=)

Genes: CRIPAK (cysteine rich PAK1 inhibitor; plus strand), UVSSA (UV stimulated scaffold protein A; plus strand), LOC126806945 (P300/CBP strongly-dependent group 1 enhancer GRCh37_chr4:1388225-1389424; plus strand). Cytogenetic location: 4p16.3.
Variant type: single nucleotide variant.
Coding change: c.240C>G on transcript NM_175918.3; coding-DNA position 240, C replaced by G.
Protein change: p.Pro80=; no amino-acid change (proline 80 retained).
Molecular consequence: synonymous variant.
Genome position (GRCh38, 1-based): chr4:1,394,751, C>G. VCF-style: chr4-1394751-C-G. GRCh37 (hg19) VCF-style: chr4-1388539-C-G.
Identifiers: ClinVar variation 2654563 (VCV002654563.24), dbSNP rs532123027, ClinGen allele CA2806695.